The following is an entry in ClinVar:

NM_003235.5(TG):c.198C>T (p.Asp66=)

Gene: TG (thyroglobulin; plus strand). Cytogenetic location: 8q24.22.
Variant type: single nucleotide variant.
Coding change: c.198C>T on transcript NM_003235.5 (MANE Select); coding-DNA position 198, C replaced by T.
Protein change: p.Asp66=; no amino-acid change (aspartic acid 66 retained).
Molecular consequence: synonymous variant.
Genome position (GRCh38, 1-based): chr8:132,869,750, C>T. VCF-style: chr8-132869750-C-T. GRCh37 (hg19) VCF-style: chr8-133881995-C-T.
Identifiers: ClinVar variation 361907 (VCV000361907.12), dbSNP rs141082783, ClinGen allele CA4882825.
Genomic context (GRCh38, chr8:132,869,750, plus strand): 5'-GCCCATCCCAGGGTCACCTGGTCTGTGTCTCCTCCTCAGGACTGTCCAGTGCCAGAACGA[C>T]GGCCGCTCCTGCTGGTGTGTGGGTGCCAACGGCAGTGAAGTGCTGGGCAGCAGGCAGCCA-3'
Protein context (NP_003226.4, residues 56-76): GSFQTVQCQN[Asp66=]GRSCWCVGAN

ClinVar aggregate classification (germline): Conflicting classifications of pathogenicity. Review status: criteria provided, conflicting classifications (1 of 4 stars). 5 submissions from 5 submitters: Uncertain significance (1); Likely benign (3). 1 of the submissions does not count toward it. Last evaluated 2026-08-01.

Conditions:
Iodotyrosyl coupling defect (TDH3). Also called: HYPOTHYROIDISM, CONGENITAL, DUE TO DYSHORMONOGENESIS, 3; THYROID HORMONOGENESIS, GENETIC DEFECT IN, 3. Identifiers: Orphanet 95716, MedGen C0342194, MONDO:0010135, OMIM 274700.
TG-related disorder. Also called: TG-related condition; TG-related disorders.

Allele frequency attached by ClinVar (database versions not stated): ExAC 0.00011; gnomAD exomes 0.00011; TOPMed 0.00021; gnomAD 0.00023 and 0.00025; 1000 Genomes Project 30x 0.00031; 1000 Genomes Project 0.00040; ESP Exome Variant Server 0.00046.
gnomAD v4.1: 502 of 1,614,202 alleles (0.031%); highest among the groups gnomAD compares: Non-Finnish European, 0.038%; 1 homozygote.

Submissions (5):

CeGaT Center for Human Genetics Tuebingen
Classification: Likely benign. Last evaluated: 2026-08-01. Review status: criteria provided, single submitter. Criteria: CeGaT Center For Human Genetics Tuebingen Variant Classification Criteria Version 2. Collection method: clinical testing. Allele origin: germline. Affected: yes. Observed: 1 variant allele.
Comment: TG: BP4, BP7

Labcorp Genetics (formerly Invitae), Labcorp
Classification: Likely benign. Last evaluated: 2026-01-20. Review status: criteria provided, single submitter. Criteria: Invitae Variant Classification Sherloc (09022015). Collection method: clinical testing. Allele origin: germline.

Women's Health and Genetics/Laboratory Corporation of America, LabCorp
Classification: Likely benign. Last evaluated: 2025-12-23. Review status: criteria provided, single submitter. Criteria: LabCorp Variant Classification Summary - May 2015. Collection method: clinical testing. Allele origin: germline.

Illumina Laboratory Services, Illumina
Classification: Uncertain significance for Iodotyrosyl coupling defect. Last evaluated: 2018-01-13. Review status: criteria provided, single submitter. Criteria: ICSL Variant Classification Criteria 13 December 2019. Collection method: clinical testing. Allele origin: germline.

PreventionGenetics, part of Exact Sciences
Classification: Likely benign for TG-related condition. Last evaluated: 2019-02-21. Review status: no assertion criteria provided. Collection method: clinical testing. Allele origin: germline. Not counted in ClinVar's aggregate classification.
Comment: This variant is classified as likely benign based on ACMG/AMP sequence variant interpretation guidelines (Richards et al. 2015 PMID: 25741868, with internal and published modifications).